The following is an entry in ClinVar:

ClinVar aggregate classification (germline): Uncertain significance (1 of 4 stars; one submission).

Submission:

Mayo Clinic Laboratories, Mayo Clinic
Classification: Uncertain significance. Last evaluated: 2024-12-09. Review status: criteria provided, single submitter. Criteria: ACMG Guidelines, 2015. Collection method: clinical testing. Allele origin: germline. Observed: 1 variant allele.
Comment: PM1_supporting, PM2_supporting, PM5

NM_000313.4(PROS1):c.1486G>C (p.Asp496His)

Gene: PROS1 (protein S; minus strand). Cytogenetic location: 3q11.1.
Variant type: single nucleotide variant.
Coding change: c.1486G>C on transcript NM_000313.4 (MANE Select); coding-DNA position 1486, G replaced by C.
Protein change: p.Asp496His; replaces aspartic acid 496 with histidine.
Molecular consequence: missense variant.
Genome position (GRCh38, 1-based): chr3:93,884,734, C>G on the plus strand (G>C on the coding strand, the complement: PROS1 is on the minus strand). VCF-style: chr3-93884734-C-G. GRCh37 (hg19) VCF-style: chr3-93603578-C-G.
Other names: p.Asp496His; c.1582G>C, p.Asp528His (NM_001314077.2); short protein forms D528H, D496H.
Identifiers: ClinVar variation 4540896 (VCV004540896.1).
Genomic context (GRCh38, chr3:93,884,734, plus strand): 5'-ATGAATAAATTTACTCATTAATGAGAAAATAGAGATAAATGGAAAATCACTTACTATAAT[C>G]TATGTGAAATTGAGCAATTCCAGAACCAGGATAGTAGGAGCCCTTCTCCACAGTAACCAG-3'
Protein context (NP_000304.2, residues 486-506): PGSGIAQFHI[Asp496His]YNNVSSAEGW